The following is an entry in ClinVar:

ClinVar aggregate classification (germline): Benign. Review status: criteria provided, multiple submitters, no conflicts (2 of 4 stars). 3 submissions from 3 submitters: Benign (2). 1 of the submissions does not count toward it. Last evaluated 2025-07-08.

Conditions:
TNK2-related disorder. Also called: TNK2-related condition.

Allele frequency attached by ClinVar (database versions not stated): gnomAD exomes 0.00029; 1000 Genomes Project 0.00060; ESP Exome Variant Server 0.00076; 1000 Genomes Project 30x 0.00078.
gnomAD v4.1: 412 of 1,573,202 alleles (0.026%); highest among the groups gnomAD compares: African/African-American, 0.5%; 1 homozygote.

Submissions (3):

Labcorp Genetics (formerly Invitae), Labcorp
Classification: Benign. Last evaluated: 2025-07-08. Review status: criteria provided, single submitter. Criteria: Invitae Variant Classification Sherloc (09022015). Collection method: clinical testing. Allele origin: germline.

Breakthrough Genomics
Classification: Benign. Review status: criteria provided, single submitter. Criteria: ACMG Guidelines, 2015. Collection method: not provided. Allele origin: germline. Inheritance: Unknown mechanism. Affected: yes.

PreventionGenetics, part of Exact Sciences
Classification: Likely benign for TNK2-related condition. Last evaluated: 2020-07-28. Review status: no assertion criteria provided. Collection method: clinical testing. Allele origin: germline. Not counted in ClinVar's aggregate classification.
Comment: This variant is classified as likely benign based on ACMG/AMP sequence variant interpretation guidelines (Richards et al. 2015 PMID: 25741868, with internal and published modifications).

NM_001382273.1(TNK2):c.1741G>C (p.Ala581Pro)

Gene: TNK2 (tyrosine kinase non receptor 2; minus strand). Cytogenetic location: 3q29.
Variant type: single nucleotide variant.
Coding change: c.1741G>C on transcript NM_001382273.1 (MANE Select); coding-DNA position 1741, G replaced by C.
Protein change: p.Ala581Pro; replaces alanine 581 with proline.
Molecular consequence: missense variant. On other transcripts: non-coding transcript variant (15).
Genome position (GRCh38, 1-based): chr3:195,868,557, C>G on the plus strand (G>C on the coding strand, the complement: TNK2 is on the minus strand). VCF-style: chr3-195868557-C-G. GRCh37 (hg19) VCF-style: chr3-195595428-C-G.
Other names: c.1696G>C (NM_005781.4); c.1813G>C, p.Ala605Pro (NM_001010938.2, NM_001382272.1); c.1792G>C, p.Ala598Pro (NM_001308046.2, NM_001382271.1); c.1741G>C, p.Ala581Pro (NM_001382274.1, NM_001387716.1, NM_001387717.1 and 1 more transcripts); c.1837G>C, p.Ala613Pro (NM_001382275.1, NM_001387707.1); c.1696G>C, p.Ala566Pro (NM_001386164.1, NM_001387709.1, NM_001387710.1 and 8 more transcripts); c.1768G>C, p.Ala590Pro (NM_001387708.1, NM_001387715.1); short protein forms A566P, A581P, A590P, A598P, A605P, A613P.
Identifiers: ClinVar variation 1669178 (VCV001669178.11), dbSNP rs202068965, ClinGen allele CA2776213.
Genomic context (GRCh38, chr3:195,868,557, plus strand): 5'-CGCAGGGCCGTAGGGCCGGGACCACGGGCTCCTCACCGAAGTCGATGAGCGTGACCTCAG[C>G]CCCGCTGCCTCGGCTGGCCTTGGTGCCCGGCACCCGCGCCGAGGGCTTCGCCAGCCACAG-3'
Protein context (NP_001369202.1, residues 571-591): PGTKASRGSG[Ala581Pro]EVTLIDFGEE